The following is an entry in ClinVar:

ClinVar aggregate classification (germline): Uncertain significance. Review status: criteria provided, multiple submitters, no conflicts (2 of 4 stars). 2 submissions from 2 submitters: Uncertain significance (2). Last evaluated 2023-05-28.

Conditions:
Hereditary cancer-predisposing syndrome. Also called: Tumor predisposition; Hereditary Cancer Syndrome; Hereditary neoplastic syndrome; Neoplastic Syndromes, Hereditary. Identifiers: Orphanet 140162, MedGen C0027672, MeSH D009386, MONDO:0015356.
Familial cancer of breast. Also called: hereditary breast carcinoma; BREAST CANCER, FAMILIAL; Hereditary breast cancer. Identifiers: Orphanet 227535, MedGen C0346153, MONDO:0016419, OMIM 114480. Disease mechanism: loss of function.

Submissions (2):

Labcorp Genetics (formerly Invitae), Labcorp
Classification: Uncertain significance for Familial cancer of breast. Last evaluated: 2023-05-28. Review status: criteria provided, single submitter. Criteria: Invitae Variant Classification Sherloc (09022015). Collection method: clinical testing. Allele origin: germline.
Comment: In summary, the available evidence is currently insufficient to determine the role of this variant in disease. Therefore, it has been classified as a Variant of Uncertain Significance. An algorithm developed to predict the effect of missense changes on protein structure and function (PolyPhen-2) suggests that this variant is likely to be disruptive. ClinVar contains an entry for this variant (Variation ID: 2087944). This variant has not been reported in the literature in individuals affected with PALB2-related conditions. This variant is not present in population databases (gnomAD no frequency). This sequence change replaces arginine, which is basic and polar, with isoleucine, which is neutral and non-polar, at codon 196 of the PALB2 protein (p.Arg196Ile).

Ambry Genetics
Classification: Uncertain significance for Hereditary cancer-predisposing syndrome. Last evaluated: 2023-04-16. Review status: criteria provided, single submitter. Criteria: Ambry Variant Classification Scheme 2023. Collection method: clinical testing. Allele origin: germline.
Comment: The p.R196I variant (also known as c.587G>T), located in coding exon 4 of the PALB2 gene, results from a G to T substitution at nucleotide position 587. The arginine at codon 196 is replaced by isoleucine, an amino acid with similar properties. This amino acid position is conserved. In addition, this alteration is predicted to be tolerated by in silico analysis. Since supporting evidence is limited at this time, the clinical significance of this alteration remains unclear.

NM_024675.4(PALB2):c.587G>T (p.Arg196Ile)

Gene: PALB2 (partner and localizer of BRCA2; minus strand). Cytogenetic location: 16p12.2.
Variant type: single nucleotide variant.
Coding change: c.587G>T on transcript NM_024675.4 (MANE Select); coding-DNA position 587, G replaced by T.
Protein change: p.Arg196Ile; replaces arginine 196 with isoleucine.
Molecular consequence: missense variant.
Genome position (GRCh38, 1-based): chr16:23,635,959, C>A on the plus strand (G>T on the coding strand, the complement: PALB2 is on the minus strand). VCF-style: chr16-23635959-C-A. GRCh37 (hg19) VCF-style: chr16-23647280-C-A.
Other names: c.527G>T, p.Arg176Ile (NM_001407296.1); c.587G>T, p.Arg196Ile (NM_001407297.1, NM_001407298.1, NM_001407299.1 and 3 more transcripts); c.-299G>T (NM_001407304.1, NM_001407305.1, NM_001407306.1 and 5 more transcripts); short protein forms R196I, R176I.
Identifiers: ClinVar variation 2087944 (VCV002087944.6), dbSNP rs730881904, ClinGen allele CA395136739.